The following is an entry in ClinVar:

ClinVar aggregate classification (germline): Uncertain significance. Review status: criteria provided, multiple submitters, no conflicts (2 of 4 stars). 2 submissions from 2 submitters: Uncertain significance (2). Last evaluated 2026-09-07.

Conditions:
Cardiovascular phenotype. Identifiers: MedGen CN230736.
Brugada syndrome. Also called: Sudden unexpected nocturnal death syndrome; Sudden unexplained nocturnal death syndrome; Sudden Unexplained Death Syndrome; Sudden Unexplained Nocturnal Death Syndrome (SUNDS). Identifiers: Orphanet 130, MedGen C1142166, MONDO:0015263.

Allele frequency attached by ClinVar (database versions not stated): gnomAD 0.00001; TOPMed 0.00002.
gnomAD v4.1: 3 of 1,612,398 alleles (0.00019%); highest among the groups gnomAD compares: African/African-American, 0.004%; no homozygotes.

Submissions (2):

Ambry Genetics
Classification: Uncertain significance for Cardiovascular phenotype. Last evaluated: 2026-09-07. Review status: criteria provided, single submitter. Criteria: Ambry Variant Classification Scheme 2023. Collection method: clinical testing. Allele origin: germline.
Comment: The p.R114I variant (also known as c.341G>T), located in coding exon 4 of the CACNA2D1 gene, results from a G to T substitution at nucleotide position 341. The arginine at codon 114 is replaced by isoleucine, an amino acid with similar properties. This amino acid position is conserved. In addition, the in silico prediction for this alteration is inconclusive. Based on the available evidence, the clinical significance of this variant remains unclear.

Labcorp Genetics (formerly Invitae), Labcorp
Classification: Uncertain significance for Brugada syndrome. Last evaluated: 2021-09-21. Review status: criteria provided, single submitter. Criteria: Invitae Variant Classification Sherloc (09022015). Collection method: clinical testing. Allele origin: germline.
Comment: This sequence change replaces arginine with isoleucine at codon 114 of the CACNA2D1 protein (p.Arg114Ile). The arginine residue is moderately conserved and there is a moderate physicochemical difference between arginine and isoleucine. This variant is not present in population databases (ExAC no frequency). This variant has not been reported in the literature in individuals affected with CACNA2D1-related conditions. Algorithms developed to predict the effect of missense changes on protein structure and function are either unavailable or do not agree on the potential impact of this missense change (SIFT: "Deleterious"; PolyPhen-2: "Benign"; Align-GVGD: "Class C0"). In summary, the available evidence is currently insufficient to determine the role of this variant in disease. Therefore, it has been classified as a Variant of Uncertain Significance.

NM_000722.4(CACNA2D1):c.341G>T (p.Arg114Ile)

Gene: CACNA2D1 (calcium voltage-gated channel auxiliary subunit alpha2delta 1; minus strand). Cytogenetic location: 7q21.11.
Variant type: single nucleotide variant.
Coding change: c.341G>T on transcript NM_000722.4 (MANE Select); coding-DNA position 341, G replaced by T.
Protein change: p.Arg114Ile; replaces arginine 114 with isoleucine.
Molecular consequence: missense variant.
Genome position (GRCh38, 1-based): chr7:82,170,563, C>A on the plus strand (G>T on the coding strand, the complement: CACNA2D1 is on the minus strand). VCF-style: chr7-82170563-C-A. GRCh37 (hg19) VCF-style: chr7-81799879-C-A.
Other names: c.341G>T, p.Arg114Ile (NM_001302890.2, NM_001366867.1); c.341G>T (NM_000722.2); short protein forms R114I.
Identifiers: ClinVar variation 1438193 (VCV001438193.8), dbSNP rs1243465087, ClinGen allele CA368017405.